The following is an entry in ClinVar:

ClinVar aggregate classification (germline): Uncertain significance (1 of 4 stars; one submission).

gnomAD v4.1: 4 of 1,613,798 alleles (0.00025%); highest among the groups gnomAD compares: Non-Finnish European, 0.00034%; no homozygotes.

Submission:

Mayo Clinic Laboratories, Mayo Clinic
Classification: Uncertain significance. Last evaluated: 2025-10-31. Review status: criteria provided, single submitter. Criteria: ACMG Guidelines, 2015. Collection method: clinical testing. Allele origin: germline. Observed: 1 variant allele.
Comment: PP3_moderate, PM2_supporting

NM_002775.5(HTRA1):c.922G>A (p.Gly308Arg)

Gene: HTRA1 (HtrA serine peptidase 1; plus strand). Cytogenetic location: 10q26.13.
Variant type: single nucleotide variant.
Coding change: c.922G>A on transcript NM_002775.5 (MANE Select); coding-DNA position 922, G replaced by A.
Protein change: p.Gly308Arg; replaces glycine 308 with arginine.
Molecular consequence: missense variant.
Genome position (GRCh38, 1-based): chr10:122,506,835, G>A. VCF-style: chr10-122506835-G-A. GRCh37 (hg19) VCF-style: chr10-124266351-G-A.
Other names: p.Gly308Arg; short protein forms G308R.
Identifiers: ClinVar variation 4541591 (VCV004541591.1).